The following is an entry in ClinVar:

ClinVar aggregate classification (germline): Uncertain significance. Review status: criteria provided, multiple submitters, no conflicts (2 of 4 stars). 3 submissions from 3 submitters: Uncertain significance (3). Last evaluated 2025-06-07.

Conditions:
Growth delay due to insulin-like growth factor type 1 deficiency (IGF1D). Also called: GROWTH RETARDATION WITH SENSORINEURAL DEAFNESS AND MENTAL RETARDATION; IGF1 DEFICIENCY. Identifiers: Orphanet 73272, MedGen C1837475, MONDO:0012110, OMIM 608747.
Inborn genetic diseases. Identifiers: MedGen C0950123, MeSH D030342.

Allele frequency attached by ClinVar (database versions not stated): gnomAD 0.00019; 1000 Genomes Project 0.00020; gnomAD exomes 0.00021 and 0.00026; 1000 Genomes Project 30x 0.00031; ExAC 0.00036; ESP Exome Variant Server 0.00046; TOPMed 0.00014.
gnomAD v4.1: 327 of 1,613,478 alleles (0.02%); highest among the groups gnomAD compares: Non-Finnish European, 0.025%; 1 homozygote.

Submissions (3):

Ambry Genetics
Classification: Uncertain significance for Inborn genetic diseases. Last evaluated: 2025-06-07. Review status: criteria provided, single submitter. Criteria: Ambry Variant Classification Scheme 2023. Collection method: clinical testing. Allele origin: germline.

Labcorp Genetics (formerly Invitae), Labcorp
Classification: Uncertain significance. Last evaluated: 2025-01-21. Review status: criteria provided, single submitter. Criteria: Invitae Variant Classification Sherloc (09022015). Collection method: clinical testing. Allele origin: germline.
Comment: This sequence change replaces cysteine, which is neutral and slightly polar, with tryptophan, which is neutral and slightly polar, at codon 15 of the IGF1 protein (p.Cys15Trp). This variant is present in population databases (rs77017132, gnomAD 0.05%). This variant has not been reported in the literature in individuals affected with IGF1-related conditions. ClinVar contains an entry for this variant (Variation ID: 880617). An algorithm developed to predict the effect of missense changes on protein structure and function (PolyPhen-2) suggests that this variant is likely to be disruptive. In summary, the available evidence is currently insufficient to determine the role of this variant in disease. Therefore, it has been classified as a Variant of Uncertain Significance.

Illumina Laboratory Services, Illumina
Classification: Uncertain significance for Growth delay due to insulin-like growth factor type 1 deficiency. Last evaluated: 2018-01-12. Review status: criteria provided, single submitter. Criteria: ICSL Variant Classification Criteria 13 December 2019. Collection method: clinical testing. Allele origin: germline.

NM_000618.5(IGF1):c.45C>G (p.Cys15Trp)

Genes: LINC02456 (long intergenic non-protein coding RNA 2456; plus strand), IGF1 (insulin like growth factor 1; minus strand). Cytogenetic location: 12q23.2.
Variant type: single nucleotide variant.
Coding change: c.45C>G on transcript NM_000618.5 (MANE Select); coding-DNA position 45, C replaced by G.
Protein change: p.Cys15Trp; replaces cysteine 15 with tryptophan.
Molecular consequence: missense variant.
Genome position (GRCh38, 1-based): chr12:102,480,337, G>C on the plus strand (C>G on the coding strand, the complement: IGF1 is on the minus strand). VCF-style: chr12-102480337-G-C. GRCh37 (hg19) VCF-style: chr12-102874115-G-C.
Other names: c.45C>G, p.Cys15Trp (NM_001111283.3, NM_001111285.3); short protein forms C15W.
Identifiers: ClinVar variation 880617 (VCV000880617.12), dbSNP rs77017132, ClinGen allele CA6748647.